The following is an entry in ClinVar:

ClinVar aggregate classification (germline): Uncertain significance (1 of 4 stars; one submission).

Conditions:
Melnick-Needles syndrome (MNS). Also called: MELNICK-NEEDLES OSTEODYSPLASTY; OSTEODYSPLASTY OF MELNICK AND NEEDLES; Melnick-Needles Syndrome (FLNA-MNS). Identifiers: Orphanet 2484, MedGen C0025237, MONDO:0010650, OMIM 309350.
Frontometaphyseal dysplasia (FMD1). Identifiers: Orphanet 1826, MedGen C0265293, MONDO:0015942.
Heterotopia, periventricular, X-linked dominant (PVNH1). Also called: PERIVENTRICULAR NODULAR HETEROTOPIA 1; X-linked periventricular heterotopia; PERIVENTRICULAR NODULAR HETEROTOPIA 4; HETEROTOPIA, PERIVENTRICULAR, 1. Identifiers: Orphanet 2149, Orphanet 82004, MedGen C1848213, MONDO:0010233, OMIM 300049.
Oto-palato-digital syndrome, type II (OPD2). Also called: FACIOPALATOOSSEOUS SYNDROME; OPD II SYNDROME; Otopalatodigital Syndrome, Type II; Otopalatodigital Syndrome Type 2 (FLNA-OPD2). Identifiers: Orphanet 669, Orphanet 90652, MedGen C1844696, MONDO:0010571, OMIM 304120.

Submission:

Labcorp Genetics (formerly Invitae), Labcorp
Classification: Uncertain significance for Oto-palato-digital syndrome, type II; Heterotopia, periventricular, X-linked dominant; Frontometaphyseal dysplasia; Melnick-Needles syndrome. Last evaluated: 2024-10-03. Review status: criteria provided, single submitter. Criteria: Invitae Variant Classification Sherloc (09022015). Collection method: clinical testing. Allele origin: germline.
Comment: This sequence change replaces isoleucine, which is neutral and non-polar, with valine, which is neutral and non-polar, at codon 2110 of the FLNA protein (p.Ile2110Val). This variant is not present in population databases (gnomAD no frequency). This variant has not been reported in the literature in individuals affected with FLNA-related conditions. Invitae Evidence Modeling of protein sequence and biophysical properties (such as structural, functional, and spatial information, amino acid conservation, physicochemical variation, residue mobility, and thermodynamic stability) indicates that this missense variant is not expected to disrupt FLNA protein function with a negative predictive value of 95%. In summary, the available evidence is currently insufficient to determine the role of this variant in disease. Therefore, it has been classified as a Variant of Uncertain Significance.

NM_001110556.2(FLNA):c.6352A>G (p.Ile2118Val)

Gene: FLNA (filamin A; minus strand). Cytogenetic location: Xq28.
Variant type: single nucleotide variant.
Coding change: c.6352A>G on transcript NM_001110556.2 (MANE Select); coding-DNA position 6352, A replaced by G.
Protein change: p.Ile2118Val; replaces isoleucine 2118 with valine.
Molecular consequence: missense variant.
Genome position (GRCh38, 1-based): chrX:154,352,799, T>C on the plus strand (A>G on the coding strand, the complement: FLNA is on the minus strand). VCF-style: chrX-154352799-T-C. GRCh37 (hg19) VCF-style: chrX-153581167-T-C.
Other names: c.6328A>G, p.Ile2110Val (NM_001456.4); short protein forms I2110V, I2118V.
Identifiers: ClinVar variation 3753972 (VCV003753972.2).